The following is an entry in ClinVar:

ClinVar aggregate classification (germline): Uncertain significance (1 of 4 stars; one submission).

Conditions:
Tyrosinemia type I (TYRSN1). Also called: Tyrosinemia type 1; Fumarylacetoacetase deficiency; Deficiency of fumarylacetoacetase; HEPATORENAL TYROSINEMIA; FAH DEFICIENCY. Identifiers: Orphanet 882, MedGen C0268490, MONDO:0010161, OMIM 276700. Disease mechanism: loss of function.

gnomAD v4.1: 12 of 1,611,128 alleles (0.00074%); highest among the groups gnomAD compares: South Asian, 0.0022%; no homozygotes.

Submission:

Labcorp Genetics (formerly Invitae), Labcorp
Classification: Uncertain significance for Tyrosinemia type I. Last evaluated: 2024-09-06. Review status: criteria provided, single submitter. Criteria: Invitae Variant Classification Sherloc (09022015). Collection method: clinical testing. Allele origin: germline.
Comment: This sequence change replaces proline, which is neutral and non-polar, with leucine, which is neutral and non-polar, at codon 285 of the FAH protein (p.Pro285Leu). This variant is present in population databases (no rsID available, gnomAD 0.003%). This variant has not been reported in the literature in individuals affected with FAH-related conditions. Invitae Evidence Modeling of protein sequence and biophysical properties (such as structural, functional, and spatial information, amino acid conservation, physicochemical variation, residue mobility, and thermodynamic stability) indicates that this missense variant is not expected to disrupt FAH protein function with a negative predictive value of 80%. In summary, the available evidence is currently insufficient to determine the role of this variant in disease. Therefore, it has been classified as a Variant of Uncertain Significance.

NM_000137.4(FAH):c.854C>T (p.Pro285Leu)

Gene: FAH (fumarylacetoacetate hydrolase; plus strand). Cytogenetic location: 15q25.1.
Variant type: single nucleotide variant.
Coding change: c.854C>T on transcript NM_000137.4 (MANE Select); coding-DNA position 854, C replaced by T.
Protein change: p.Pro285Leu; replaces proline 285 with leucine.
Molecular consequence: missense variant.
Genome position (GRCh38, 1-based): chr15:80,175,032, C>T. VCF-style: chr15-80175032-C-T. GRCh37 (hg19) VCF-style: chr15-80467374-C-T.
Other names: c.854C>T, p.Pro285Leu (NM_001374377.1, NM_001374380.1); short protein forms P285L.
Identifiers: ClinVar variation 3705785 (VCV003705785.2).